The following is an entry in ClinVar:

ClinVar aggregate classification (germline): Uncertain significance (1 of 4 stars; one submission).

Conditions:
Familial cancer of breast. Also called: hereditary breast carcinoma; BREAST CANCER, FAMILIAL; Hereditary breast cancer. Identifiers: Orphanet 227535, MedGen C0346153, MONDO:0016419, OMIM 114480. Disease mechanism: loss of function.

gnomAD v4.1: 1 of 1,614,156 alleles (0.000062%); highest among the groups gnomAD compares: Non-Finnish European, 0.000085%; no homozygotes.

Submission:

Labcorp Genetics (formerly Invitae), Labcorp
Classification: Uncertain significance for Familial cancer of breast. Last evaluated: 2026-01-28. Review status: criteria provided, single submitter. Criteria: Invitae Variant Classification Sherloc (09022015). Collection method: clinical testing. Allele origin: germline.
Comment: This sequence change replaces asparagine, which is neutral and polar, with serine, which is neutral and polar, at codon 316 of the CHEK2 protein (p.Asn316Ser). This variant is not present in population databases (gnomAD no frequency). This variant has not been reported in the literature in individuals affected with CHEK2-related conditions. ClinVar contains an entry for this variant (Variation ID: 3644152). An algorithm developed to predict the effect of missense changes on protein structure and function (PolyPhen-2) suggests that this variant is likely to be tolerated. In summary, the available evidence is currently insufficient to determine the role of this variant in disease. Therefore, it has been classified as a Variant of Uncertain Significance.

NM_007194.4(CHEK2):c.947A>G (p.Asn316Ser)

Gene: CHEK2 (checkpoint kinase 2; minus strand). Cytogenetic location: 22q12.1.
Variant type: single nucleotide variant.
Coding change: c.947A>G on transcript NM_007194.4 (MANE Select); coding-DNA position 947, A replaced by G.
Protein change: p.Asn316Ser; replaces asparagine 316 with serine.
Molecular consequence: missense variant.
Genome position (GRCh38, 1-based): chr22:28,699,899, T>C on the plus strand (A>G on the coding strand, the complement: CHEK2 is on the minus strand). VCF-style: chr22-28699899-T-C. GRCh37 (hg19) VCF-style: chr22-29095887-T-C.
Other names: c.1076A>G, p.Asn359Ser (NM_001005735.3); c.284A>G, p.Asn95Ser (NM_001257387.3); c.746A>G, p.Asn249Ser (NM_001349956.3); c.947A>G, p.Asn316Ser (NM_145862.3); short protein forms N249S, N95S, N316S, N359S.
Identifiers: ClinVar variation 3644152 (VCV003644152.2).